The following is an entry in ClinVar:

NM_006204.4(PDE6C):c.2144T>G (p.Met715Arg)

Gene: PDE6C (phosphodiesterase 6C; plus strand). Cytogenetic location: 10q23.33.
Variant type: single nucleotide variant.
Coding change: c.2144T>G on transcript NM_006204.4 (MANE Select); coding-DNA position 2144, T replaced by G.
Protein change: p.Met715Arg; replaces methionine 715 with arginine.
Molecular consequence: missense variant.
Genome position (GRCh38, 1-based): chr10:93,659,008, T>G. VCF-style: chr10-93659008-T-G. GRCh37 (hg19) VCF-style: chr10-95418765-T-G.
Other names: short protein forms M715R.
Identifiers: ClinVar variation 3611615 (VCV003611615.2).

ClinVar aggregate classification (germline): Uncertain significance (1 of 4 stars; one submission).

gnomAD v4.1: 1 of 1,577,414 alleles (0.000063%); highest among the groups gnomAD compares: African/African-American, 0.0013%; no homozygotes.

Submission:

Labcorp Genetics (formerly Invitae), Labcorp
Classification: Uncertain significance. Last evaluated: 2025-08-04. Review status: criteria provided, single submitter. Criteria: Invitae Variant Classification Sherloc (09022015). Collection method: clinical testing. Allele origin: germline.
Comment: This sequence change replaces methionine, which is neutral and non-polar, with arginine, which is basic and polar, at codon 715 of the PDE6C protein (p.Met715Arg). This variant is not present in population databases (gnomAD no frequency). This variant has not been reported in the literature in individuals affected with PDE6C-related conditions. ClinVar contains an entry for this variant (Variation ID: 3611615). Invitae Evidence Modeling of protein sequence and biophysical properties (such as structural, functional, and spatial information, amino acid conservation, physicochemical variation, residue mobility, and thermodynamic stability) has been performed for this missense variant. However, the output from this modeling did not meet the statistical confidence thresholds required to predict the impact of this variant on PDE6C protein function. In summary, the available evidence is currently insufficient to determine the role of this variant in disease. Therefore, it has been classified as a Variant of Uncertain Significance.